The following is an entry in ClinVar:

NM_016929.5(CLIC5):c.296A>G (p.Glu99Gly)

Gene: CLIC5 (chloride intracellular channel 5; minus strand). Cytogenetic location: 6p21.1.
Variant type: single nucleotide variant.
Coding change: c.296A>G on transcript NM_016929.5 (MANE Select); coding-DNA position 296, A replaced by G.
Protein change: p.Glu99Gly; replaces glutamic acid 99 with glycine.
Molecular consequence: missense variant.
Genome position (GRCh38, 1-based): chr6:45,949,259, T>C on the plus strand (A>G on the coding strand, the complement: CLIC5 is on the minus strand). VCF-style: chr6-45949259-T-C. GRCh37 (hg19) VCF-style: chr6-45916996-T-C.
Other names: c.773A>G, p.Glu258Gly (NM_001114086.2, NM_001370650.1); c.296A>G, p.Glu99Gly (NM_001256023.2); c.179A>G, p.Glu60Gly (NM_001370649.1); short protein forms E99G, E258G, E60G.
Identifiers: ClinVar variation 4763390 (VCV004763390.1).

ClinVar aggregate classification (germline): Uncertain significance (1 of 4 stars; one submission).

Submission:

Labcorp Genetics (formerly Invitae), Labcorp
Classification: Uncertain significance. Last evaluated: 2025-11-25. Review status: criteria provided, single submitter. Criteria: Invitae Variant Classification Sherloc (09022015). Collection method: clinical testing. Allele origin: germline.
Comment: This sequence change replaces glutamic acid, which is acidic and polar, with glycine, which is neutral and non-polar, at codon 258 of the CLIC5 protein (p.Glu258Gly). This variant is not present in population databases (gnomAD no frequency). This variant has not been reported in the literature in individuals affected with CLIC5-related conditions. An algorithm developed to predict the effect of missense changes on protein structure and function (PolyPhen-2) suggests that this variant is likely to be tolerated. In summary, the available evidence is currently insufficient to determine the role of this variant in disease. Therefore, it has been classified as a Variant of Uncertain Significance.